The following is an entry in ClinVar:

ClinVar aggregate classification (germline): Likely benign (0 of 4 stars; one submission).

Conditions:
NGF-related disorder. Also called: NGF-related condition.

gnomAD v4.1: 1 of 1,613,364 alleles (0.000062%); highest among the groups gnomAD compares: South Asian, 0.0011%; no homozygotes.

Submission:

PreventionGenetics, part of Exact Sciences
Classification: Likely benign for NGF-related condition. Last evaluated: 2019-09-13. Review status: no assertion criteria provided. Collection method: clinical testing. Allele origin: germline.
Comment: This variant is classified as likely benign based on ACMG/AMP sequence variant interpretation guidelines (Richards et al. 2015 PMID: 25741868, with internal and published modifications).

NM_002506.3(NGF):c.681G>C (p.Thr227=)

Genes: NGF (nerve growth factor; minus strand), NGF-AS1 (NGF antisense RNA 1; plus strand). Cytogenetic location: 1p13.2.
Variant type: single nucleotide variant.
Coding change: c.681G>C on transcript NM_002506.3 (MANE Select); coding-DNA position 681, G replaced by C.
Protein change: p.Thr227=; no amino-acid change (threonine 227 retained).
Molecular consequence: synonymous variant.
Genome position (GRCh38, 1-based): chr1:115,286,115, C>G on the plus strand (G>C on the coding strand, the complement: NGF is on the minus strand). VCF-style: chr1-115286115-C-G. GRCh37 (hg19) VCF-style: chr1-115828736-C-G.
Identifiers: ClinVar variation 3040020 (VCV003040020.2), dbSNP rs565497625, ClinGen allele CA1022936.
Genomic context (GRCh38, chr1:115,286,115, plus strand): 5'-GAGCGTGTCGGCAGGTCAGGCTCTTCTCACAGCCTTCCTGCTGAGCACACACACACAGGC[C>G]GTATCTATCCGGATAAACCGCCAGGCAGCCTGCTTGCCATCCATGGTCAGCGCCTTGACA-3'
Protein context (NP_002497.2, residues 217-237): QAAWRFIRID[Thr227=]ACVCVLSRKA